The following is an entry in ClinVar:

NM_001205293.3(CACNA1E):c.6500G>T (p.Arg2167Leu)

Gene: CACNA1E (calcium voltage-gated channel subunit alpha1 E; plus strand). Cytogenetic location: 1q25.3.
Variant type: single nucleotide variant.
Coding change: c.6500G>T on transcript NM_001205293.3 (MANE Select); coding-DNA position 6500, G replaced by T.
Protein change: p.Arg2167Leu; replaces arginine 2167 with leucine.
Molecular consequence: missense variant.
Genome position (GRCh38, 1-based): chr1:181,798,392, G>T. VCF-style: chr1-181798392-G-T. GRCh37 (hg19) VCF-style: chr1-181767528-G-T.
Other names: c.6371G>T, p.Arg2124Leu (NM_000721.4); c.6314G>T, p.Arg2105Leu (NM_001205294.2); short protein forms R2105L, R2124L, R2167L.
Identifiers: ClinVar variation 2439663 (VCV002439663.6), dbSNP rs370385055, ClinGen allele CA1276429.

ClinVar aggregate classification (germline): Uncertain significance. Review status: criteria provided, multiple submitters, no conflicts (2 of 4 stars). 2 submissions from 2 submitters: Uncertain significance (2). Last evaluated 2023-02-14.

Conditions:
Developmental and epileptic encephalopathy, 69. Also called: EPILEPTIC ENCEPHALOPATHY, EARLY INFANTILE, 69. Identifiers: MedGen C4748988, MONDO:0032657, OMIM 618285.

gnomAD v4.1: 1 of 1,613,224 alleles (0.000062%); highest among the groups gnomAD compares: South Asian, 0.0011%; no homozygotes.

Submissions (2):

Labcorp Genetics (formerly Invitae), Labcorp
Classification: Uncertain significance. Last evaluated: 2023-02-14. Review status: criteria provided, single submitter. Criteria: Invitae Variant Classification Sherloc (09022015). Collection method: clinical testing. Allele origin: germline.
Comment: This variant has not been reported in the literature in individuals affected with CACNA1E-related conditions. The frequency data for this variant in the population databases is considered unreliable, as metrics indicate poor data quality at this position in the gnomAD database. This sequence change replaces arginine, which is basic and polar, with leucine, which is neutral and non-polar, at codon 2124 of the CACNA1E protein (p.Arg2124Leu). Advanced modeling of protein sequence and biophysical properties (such as structural, functional, and spatial information, amino acid conservation, physicochemical variation, residue mobility, and thermodynamic stability) has been performed at Invitae for this missense variant, however the output from this modeling did not meet the statistical confidence thresholds required to predict the impact of this variant on CACNA1E protein function. In summary, the available evidence is currently insufficient to determine the role of this variant in disease. Therefore, it has been classified as a Variant of Uncertain Significance.

Revvity Omics, Revvity
Classification: Uncertain significance for Developmental and epileptic encephalopathy, 69. Last evaluated: 2019-12-27. Review status: criteria provided, single submitter. Criteria: ACMG Guidelines, 2015. Collection method: clinical testing. Allele origin: germline.